The following is an entry in ClinVar:

NM_001029883.3(PCARE):c.3358_3359del (p.His1120fs)

Gene: PCARE (photoreceptor cilium actin regulator; minus strand). Cytogenetic location: 2p23.2.
Variant type: Microsatellite.
Coding change: c.3358_3359del on transcript NM_001029883.3 (MANE Select); coding-DNA positions 3358 to 3359, 2 bases deleted (CA; older notation c.3358_3359delCA).
Protein change: p.His1120fs; shifts the reading frame from histidine 1120.
Molecular consequence: frameshift variant.
Genome position (GRCh38, 1-based): chr2:29,070,903-29,070,904, TG deleted on the plus strand (CA on the coding strand, the reverse complement: PCARE is on the minus strand); deleting any 2 consecutive bases within chr2:29,070,903-29,070,909 gives the same sequence; the c. name uses the placement nearest the transcript's 3' end. VCF-style (leftmost placement, unchanged base first): chr2-29070902-ATG-A. GRCh37 (hg19) VCF-style: chr2-29293768-ATG-A.
Other names: c.3358_3359delCA (NM_001029883.3); short protein forms H1120fs.
Identifiers: ClinVar variation 3028814 (VCV003028814.2), dbSNP rs1572825920, ClinGen allele CA916500193.
Genomic context (GRCh38, chr2:29,070,902, plus strand): 5'-GGCTGTTGAGAGTGGCGGTTTAGCTTCAAACAGAGAGGAGGTAGCTGGGCAGAATATGGA[ATG>A]TGTGTTCCCAGACACTTTGGCTATGACTGCTTGGCTGTCTTCAGAGTCTCTTGTTTCCTT-3'

ClinVar aggregate classification (germline): Pathogenic. Review status: criteria provided, multiple submitters, no conflicts (2 of 4 stars). 2 submissions from 2 submitters: Pathogenic (2). Last evaluated 2023-10-01.

Conditions:
Retinal dystrophy. Also called: Inherited retinal dystrophy. Identifiers: Orphanet 71862, MedGen C0854723, MeSH D058499, MONDO:0019118, HP:0000556.
Retinitis pigmentosa 54 (RP54). Identifiers: Orphanet 791, MedGen C3150691, MONDO:0013263, OMIM 613428.

Submissions (2):

Dept Of Ophthalmology, Nagoya University
Classification: Pathogenic for Retinal dystrophy. Last evaluated: 2023-10-01. Review status: criteria provided, single submitter. Criteria: Submitter's publication. Collection method: research. Allele origin: germline. Affected: yes.

3billion
Classification: Pathogenic for Retinitis pigmentosa 54. Last evaluated: 2023-08-29. Review status: criteria provided, single submitter. Criteria: ACMG Guidelines, 2015. Collection method: clinical testing. Allele origin: germline. Affected: yes.
Comment: The variant is not observed in the gnomAD v2.1.1 dataset. Predicted Consequence/Location: Frameshift: predicted to result in a loss or disruption of normal protein function through nonsense-mediated decay (NMD) or protein truncation. Multiple pathogenic variants are reported downstream of the variant. The variant has been reported to be associated with PCARE related disorder (PMID: 28763557). Therefore, this variant is classified as Pathogenic according to the recommendation of ACMG/AMP guideline.

Literature cited by the submitters: PubMed 28763557 (cited by 3billion).